The following is an entry in ClinVar:

ClinVar aggregate classification (germline): Uncertain significance (1 of 4 stars; one submission).

Submission:

Labcorp Genetics (formerly Invitae), Labcorp
Classification: Uncertain significance. Last evaluated: 2024-05-01. Review status: criteria provided, single submitter. Criteria: Invitae Variant Classification Sherloc (09022015). Collection method: clinical testing. Allele origin: germline.
Comment: This variant, c.705_706delinsCT, is a complex sequence change that results in the deletion of 2 and insertion of 2 amino acid(s) in the SLC26A5 protein (p.Lys235_Arg236delinsAsnTrp). Information on the frequency of this variant in the gnomAD database is not available, as this variant may be reported differently in the database. This variant has not been reported in the literature in individuals affected with SLC26A5-related conditions. Experimental studies and prediction algorithms are not available or were not evaluated, and the functional significance of this variant is currently unknown. In summary, the available evidence is currently insufficient to determine the role of this variant in disease. Therefore, it has been classified as a Variant of Uncertain Significance.

NM_198999.3(SLC26A5):c.705_706delinsCT (p.Lys235_Arg236delinsAsnTrp)

Gene: SLC26A5 (solute carrier family 26 member 5; minus strand). Cytogenetic location: 7q22.1.
Variant type: Indel.
Coding change: c.705_706delinsCT on transcript NM_198999.3 (MANE Select); coding-DNA positions 705 to 706, GC replaced by CT.
Protein change: p.Lys235_Arg236delinsAsnTrp.
Molecular consequence: missense variant. On other transcripts: non-coding transcript variant (5).
Genome position (GRCh38, 1-based): chr7:103,410,414-103,410,415, GC replaced by AG on the plus strand (GC replaced by CT on the coding strand, the reverse complement: SLC26A5 is on the minus strand). VCF-style: chr7-103410414-GC-AG. GRCh37 (hg19) VCF-style: chr7-103050861-GC-AG.
Other names: c.705_706delinsCT, p.Lys235_Arg236delinsAsnTrp (NM_001167962.2, NM_001321787.2, NM_206883.3 and 2 more transcripts).
Identifiers: ClinVar variation 3651851 (VCV003651851.2).